The following is an entry in ClinVar:

NM_021625.5(TRPV4):c.397C>G (p.Gln133Glu)

Gene: TRPV4 (transient receptor potential cation channel subfamily V member 4; minus strand). Cytogenetic location: 12q24.11.
Variant type: single nucleotide variant.
Coding change: c.397C>G on transcript NM_021625.5 (MANE Select); coding-DNA position 397, C replaced by G.
Protein change: p.Gln133Glu; replaces glutamine 133 with glutamic acid.
Molecular consequence: missense variant.
Genome position (GRCh38, 1-based): chr12:109,808,458, G>C on the plus strand (C>G on the coding strand, the complement: TRPV4 is on the minus strand). VCF-style: chr12-109808458-G-C. GRCh37 (hg19) VCF-style: chr12-110246263-G-C.
Other names: c.397C>G, p.Gln133Glu (NM_001177428.2, NM_001177433.2, NM_147204.3); c.295C>G, p.Gln99Glu (NM_001177431.2); short protein forms Q133E, Q99E.
Identifiers: ClinVar variation 4798609 (VCV004798609.1).
Genomic context (GRCh38, chr12:109,808,458, plus strand): 5'-TAGGCCGGTTGAAGACTTTGAGGATGGGGGGCGGCTGAGGGGCAGGGGCTTTGGGGCTCT[G>C]CGGCTGCTTCCTGGAGGAGGTAGGGAGGCAAGTTGATGGGAGGGCTCATCCCCTGCCTGC-3'
Protein context (NP_067638.3, residues 123-143): WRKKIIEKQP[Gln133Glu]SPKAPAPQPP

ClinVar aggregate classification (germline): Uncertain significance (1 of 4 stars; one submission).

Conditions:
Charcot-Marie-Tooth disease axonal type 2C (HMSN2C). Also called: Charcot-Marie-Tooth Disease Type 2, TRPV4-Related (CMT2C); CHARCOT-MARIE-TOOTH DISEASE, AXONAL, AUTOSOMAL DOMINANT, TYPE 2C; Charcot-Marie-Tooth Neuropathy Type 2C. Identifiers: Orphanet 99937, MedGen C1853710, MONDO:0011633, OMIM 606071.

Submission:

Labcorp Genetics (formerly Invitae), Labcorp
Classification: Uncertain significance for Charcot-Marie-Tooth disease axonal type 2C. Last evaluated: 2025-02-26. Review status: criteria provided, single submitter. Criteria: Invitae Variant Classification Sherloc (09022015). Collection method: clinical testing. Allele origin: germline.
Comment: This sequence change replaces glutamine, which is neutral and polar, with glutamic acid, which is acidic and polar, at codon 133 of the TRPV4 protein (p.Gln133Glu). This variant is not present in population databases (gnomAD no frequency). This variant has not been reported in the literature in individuals affected with TRPV4-related conditions. Invitae Evidence Modeling of protein sequence and biophysical properties (such as structural, functional, and spatial information, amino acid conservation, physicochemical variation, residue mobility, and thermodynamic stability) indicates that this missense variant is not expected to disrupt TRPV4 protein function with a negative predictive value of 95%. In summary, the available evidence is currently insufficient to determine the role of this variant in disease. Therefore, it has been classified as a Variant of Uncertain Significance.